The following is an entry in ClinVar:

NM_000520.6(HEXA):c.413-1G>A

Gene: HEXA (hexosaminidase subunit alpha; minus strand). Cytogenetic location: 15q23.
Variant type: single nucleotide variant.
Coding change: c.413-1G>A on transcript NM_000520.6 (MANE Select); the canonical splice acceptor site of the intron before coding-DNA position 413, G replaced by A.
Molecular consequence: splice acceptor variant.
Genome position (GRCh38, 1-based): chr15:72,353,738, C>T on the plus strand (G>A on the coding strand, the complement: HEXA is on the minus strand). VCF-style: chr15-72353738-C-T. GRCh37 (hg19) VCF-style: chr15-72646079-C-T.
Other names: c.446-1G>A (NM_001318825.2).
Identifiers: ClinVar variation 2023228 (VCV002023228.4), dbSNP rs2542534202, ClinGen allele CA393065757.

ClinVar aggregate classification (germline): Likely pathogenic (1 of 4 stars; one submission).

Conditions:
Tay-Sachs disease (TSD). Also called: HEXA DEFICIENCY; GM2 gangliosidosis, type 1; Hexosaminidase alpha-subunit deficiency (variant B); Sphingolipidosis, Tay-Sachs; Hexosaminidase A Deficiency; HEXA Disorders. Identifiers: Orphanet 845, MedGen C0039373, MONDO:0010100, OMIM 272800.

Submission:

Labcorp Genetics (formerly Invitae), Labcorp
Classification: Likely pathogenic for Tay-Sachs disease. Last evaluated: 2022-08-09. Review status: criteria provided, single submitter. Criteria: Invitae Variant Classification Sherloc (09022015). Collection method: clinical testing. Allele origin: germline.
Comment: Algorithms developed to predict the effect of sequence changes on RNA splicing suggest that this variant may disrupt the consensus splice site. Disruption of this splice site has been observed in individual(s) with Hexosaminidase A deficiency (PMID: 22789865). This variant is not present in population databases (gnomAD no frequency). This sequence change affects an acceptor splice site in intron 3 of the HEXA gene. It is expected to disrupt RNA splicing. Variants that disrupt the donor or acceptor splice site typically lead to a loss of protein function (PMID: 16199547), and loss-of-function variants in HEXA are known to be pathogenic (PMID: 1833974, 8490625). In summary, the currently available evidence indicates that the variant is pathogenic, but additional data are needed to prove that conclusively. Therefore, this variant has been classified as Likely Pathogenic.

Literature cited by the submitters: PubMed 22789865; PubMed 16199547; PubMed 1833974; PubMed 8490625.